The following is an entry in ClinVar:

NM_024642.5(GALNT12):c.302A>C (p.His101Pro)

Gene: GALNT12 (polypeptide N-acetylgalactosaminyltransferase 12; plus strand). Cytogenetic location: 9q22.33.
Variant type: single nucleotide variant.
Coding change: c.302A>C on transcript NM_024642.5 (MANE Select); coding-DNA position 302, A replaced by C.
Protein change: p.His101Pro; replaces histidine 101 with proline.
Molecular consequence: missense variant.
Genome position (GRCh38, 1-based): chr9:98,808,000, A>C. VCF-style: chr9-98808000-A-C. GRCh37 (hg19) VCF-style: chr9-101570282-A-C.
Other names: short protein forms H101P.
Identifiers: ClinVar variation 1798994 (VCV001798994.2), dbSNP rs2490456193, ClinGen allele CA374222853.
Genomic context (GRCh38, chr9:98,808,000, plus strand): 5'-CGGTGCGGCTGCAGCTGCAGGGCGAGGAGCTGCGGCTGCAGGAGGAGAGCGTGCGGCTGC[A>C]CCAGATTAACATCTACCTCAGCGACCGCATCTCACTGCACCGCCGCCTGCCCGAGCGCTG-3'
Protein context (NP_078918.3, residues 91-111): LRLQEESVRL[His101Pro]QINIYLSDRI

ClinVar aggregate classification (germline): Uncertain significance (1 of 4 stars; one submission).

Submission:

Ambry Genetics
Classification: Uncertain significance. Last evaluated: 2022-08-22. Review status: criteria provided, single submitter. Criteria: Ambry Variant Classification Scheme 2023. Collection method: clinical testing. Allele origin: germline.
Comment: The p.H101P variant (also known as c.302A>C), located in coding exon 1 of the GALNT12 gene, results from an A to C substitution at nucleotide position 302. The histidine at codon 101 is replaced by proline, an amino acid with similar properties. This amino acid position is conserved. In addition, the in silico prediction for this alteration is inconclusive. Since supporting evidence is limited at this time, the clinical significance of this alteration remains unclear.